The following is an entry in ClinVar:

ClinVar aggregate classification (germline): Uncertain significance (1 of 4 stars; one submission).

Conditions:
Treacher Collins syndrome 1 (TCS1). Also called: TCOF1-Related Treacher Collins Syndrome. Identifiers: Orphanet 861, MedGen CN315775, MONDO:0007944, OMIM 154500.

gnomAD v4.1: 14 of 1,613,530 alleles (0.00087%); highest among the groups gnomAD compares: South Asian, 0.0044%; no homozygotes.

Submission:

Labcorp Genetics (formerly Invitae), Labcorp
Classification: Uncertain significance for Treacher Collins syndrome 1. Last evaluated: 2024-08-31. Review status: criteria provided, single submitter. Criteria: Invitae Variant Classification Sherloc (09022015). Collection method: clinical testing. Allele origin: germline.
Comment: This sequence change replaces threonine, which is neutral and polar, with methionine, which is neutral and non-polar, at codon 1171 of the TCOF1 protein (p.Thr1171Met). This variant is present in population databases (rs757211169, gnomAD 0.006%). This variant has not been reported in the literature in individuals affected with TCOF1-related conditions. An algorithm developed to predict the effect of missense changes on protein structure and function (PolyPhen-2) suggests that this variant is likely to be tolerated. In summary, the available evidence is currently insufficient to determine the role of this variant in disease. Therefore, it has been classified as a Variant of Uncertain Significance.

NM_001371623.1(TCOF1):c.3512C>T (p.Thr1171Met)

Gene: TCOF1 (treacle ribosome biogenesis factor 1; plus strand). Cytogenetic location: 5q32.
Variant type: single nucleotide variant.
Coding change: c.3512C>T on transcript NM_001371623.1 (MANE Select); coding-DNA position 3512, C replaced by T.
Protein change: p.Thr1171Met; replaces threonine 1171 with methionine.
Molecular consequence: missense variant.
Genome position (GRCh38, 1-based): chr5:150,392,171, C>T. VCF-style: chr5-150392171-C-T. GRCh37 (hg19) VCF-style: chr5-149771734-C-T.
Other names: c.3281C>T, p.Thr1094Met (NM_000356.4, NM_001135245.2); c.3512C>T, p.Thr1171Met (NM_001135243.2); c.3398C>T, p.Thr1133Met (NM_001135244.2, NM_001195141.2); short protein forms T1094M, T1133M, T1171M.
Identifiers: ClinVar variation 3605505 (VCV003605505.2).
Genomic context (GRCh38, chr5:150,392,171, plus strand): 5'-ACAGTTCTTCAGGGAGTGAGGAAGATGGTGAAGGGCCCCAGGGGGCCAAGTCAGCCCACA[C>T]GCTGGGTGAGGGTGCCAGGGGAAAGGCAAGGGTGGGCCAGGAAGAGGGTGTTGTGTGGCC-3'
Protein context (NP_001358552.1, residues 1161-1181): EGPQGAKSAH[Thr1171Met]LVGPTPSRTE